The following is an entry in ClinVar:

NM_000702.4(ATP1A2):c.2115+6C>G

Gene: ATP1A2 (ATPase Na+/K+ transporting subunit alpha 2; plus strand). Cytogenetic location: 1q23.2.
Variant type: single nucleotide variant.
Coding change: c.2115+6C>G on transcript NM_000702.4 (MANE Select); 6 bases into the intron after coding-DNA position 2115, C replaced by G.
Molecular consequence: intron variant.
Genome position (GRCh38, 1-based): chr1:160,135,301, C>G. VCF-style: chr1-160135301-C-G. GRCh37 (hg19) VCF-style: chr1-160105091-C-G.
Identifiers: ClinVar variation 2849096 (VCV002849096.3), dbSNP rs2524886400, ClinGen allele CA2739275363.

ClinVar aggregate classification (germline): Uncertain significance (1 of 4 stars; one submission).

Conditions:
Familial hemiplegic migraine. Identifiers: MedGen C0338484, MONDO:0000700.

Submission:

Labcorp Genetics (formerly Invitae), Labcorp
Classification: Uncertain significance for Familial hemiplegic migraine. Last evaluated: 2023-04-06. Review status: criteria provided, single submitter. Criteria: Invitae Variant Classification Sherloc (09022015). Collection method: clinical testing. Allele origin: germline.
Comment: In summary, the available evidence is currently insufficient to determine the role of this variant in disease. Therefore, it has been classified as a Variant of Uncertain Significance. Variants that disrupt the consensus splice site are a relatively common cause of aberrant splicing (PMID: 17576681, 9536098). Algorithms developed to predict the effect of sequence changes on RNA splicing suggest that this variant is not likely to affect RNA splicing. This variant has not been reported in the literature in individuals affected with ATP1A2-related conditions. This variant is not present in population databases (gnomAD no frequency). This sequence change falls in intron 15 of the ATP1A2 gene. It does not directly change the encoded amino acid sequence of the ATP1A2 protein. It affects a nucleotide within the consensus splice site.

Literature cited by the submitters: PubMed 17576681; PubMed 9536098.